The following is an entry in ClinVar:

ClinVar aggregate classification (germline): Uncertain significance (1 of 4 stars; one submission).

Allele frequency attached by ClinVar (database versions not stated): gnomAD 0.00001; TOPMed 0.00001.
gnomAD v4.1: 45 of 1,614,064 alleles (0.0028%); highest among the groups gnomAD compares: South Asian, 0.043%; no homozygotes.

Submission:

Labcorp Genetics (formerly Invitae), Labcorp
Classification: Uncertain significance. Last evaluated: 2022-08-23. Review status: criteria provided, single submitter. Criteria: Invitae Variant Classification Sherloc (09022015). Collection method: clinical testing. Allele origin: germline.
Comment: This sequence change replaces glutamic acid, which is acidic and polar, with aspartic acid, which is acidic and polar, at codon 1596 of the GPR179 protein (p.Glu1596Asp). This variant is present in population databases (rs573315577, gnomAD 0.05%). This variant has not been reported in the literature in individuals affected with GPR179-related conditions. Algorithms developed to predict the effect of missense changes on protein structure and function output the following: SIFT: "Deleterious"; PolyPhen-2: "Benign"; Align-GVGD: "Class C0". The aspartic acid amino acid residue is found in multiple mammalian species, which suggests that this missense change does not adversely affect protein function. In summary, the available evidence is currently insufficient to determine the role of this variant in disease. Therefore, it has been classified as a Variant of Uncertain Significance.

NM_001004334.4(GPR179):c.4788G>T (p.Glu1596Asp)

Gene: GPR179 (G protein-coupled receptor 179; minus strand). Cytogenetic location: 17q12.
Variant type: single nucleotide variant.
Coding change: c.4788G>T on transcript NM_001004334.4 (MANE Select); coding-DNA position 4788, G replaced by T.
Protein change: p.Glu1596Asp; replaces glutamic acid 1596 with aspartic acid.
Molecular consequence: missense variant.
Genome position (GRCh38, 1-based): chr17:38,328,781, C>A on the plus strand (G>T on the coding strand, the complement: GPR179 is on the minus strand). VCF-style: chr17-38328781-C-A. GRCh37 (hg19) VCF-style: chr17-36484664-C-A.
Other names: short protein forms E1596D.
Identifiers: ClinVar variation 1943869 (VCV001943869.2), dbSNP rs573315577, ClinGen allele CA290103920.